The following is an entry in ClinVar:

ClinVar aggregate classification (germline): Uncertain significance (1 of 4 stars; one submission).

Allele frequency attached by ClinVar (database versions not stated): TOPMed 0.00001; gnomAD exomes 0.00003 and 0.00004; ExAC 0.00008.
gnomAD v4.1: 49 of 1,547,964 alleles (0.0032%); highest among the groups gnomAD compares: South Asian, 0.011%; no homozygotes.

Submission:

Labcorp Genetics (formerly Invitae), Labcorp
Classification: Uncertain significance. Last evaluated: 2021-12-18. Review status: criteria provided, single submitter. Criteria: Invitae Variant Classification Sherloc (09022015). Collection method: clinical testing. Allele origin: germline.
Comment: This sequence change replaces arginine, which is basic and polar, with tryptophan, which is neutral and slightly polar, at codon 112 of the TCIRG1 protein (p.Arg112Trp). This variant is present in population databases (rs762422453, gnomAD 0.01%). This variant has not been reported in the literature in individuals affected with TCIRG1-related conditions. Algorithms developed to predict the effect of missense changes on protein structure and function are either unavailable or do not agree on the potential impact of this missense change (SIFT: "Deleterious"; PolyPhen-2: "Probably Damaging"; Align-GVGD: "Class C0"). In summary, the available evidence is currently insufficient to determine the role of this variant in disease. Therefore, it has been classified as a Variant of Uncertain Significance.

NM_006019.4(TCIRG1):c.334C>T (p.Arg112Trp)

Gene: TCIRG1 (T cell immune regulator 1, ATPase H+ transporting V0 subunit a3; plus strand). Cytogenetic location: 11q13.2.
Variant type: single nucleotide variant.
Coding change: c.334C>T on transcript NM_006019.4 (MANE Select); coding-DNA position 334, C replaced by T.
Protein change: p.Arg112Trp; replaces arginine 112 with tryptophan.
Molecular consequence: missense variant. On other transcripts: 5 prime UTR variant (1).
Genome position (GRCh38, 1-based): chr11:68,042,780, C>T. VCF-style: chr11-68042780-C-T. GRCh37 (hg19) VCF-style: chr11-67810247-C-T.
Other names: c.-916C>T (NM_001351059.2); short protein forms R112W.
Identifiers: ClinVar variation 1444010 (VCV001444010.3), dbSNP rs762422453, ClinGen allele CA6146699.